The following is an entry in ClinVar:

NM_006311.4(NCOR1):c.1240C>T (p.Arg414Ter)

Gene: NCOR1 (nuclear receptor corepressor 1; minus strand). Cytogenetic location: 17p11.2.
Variant type: single nucleotide variant.
Coding change: c.1240C>T on transcript NM_006311.4 (MANE Select); coding-DNA position 1240, C replaced by T.
Protein change: p.Arg414Ter; replaces arginine 414 with a stop codon.
Molecular consequence: nonsense.
Genome position (GRCh38, 1-based): chr17:16,139,120, G>A on the plus strand (C>T on the coding strand, the complement: NCOR1 is on the minus strand). VCF-style: chr17-16139120-G-A. GRCh37 (hg19) VCF-style: chr17-16042434-G-A.
Other names: c.913C>T, p.Arg305Ter (NM_001190438.2); c.1240C>T, p.Arg414Ter (NM_001190440.2); short protein forms R305*, R414*.
Identifiers: ClinVar variation 3403587 (VCV003403587.1).
Genomic context (GRCh38, chr17:16,139,120, plus strand): 5'-TATCTTTATACACTTTCATAGGGTCCTCCATAAGCCCATTCATGTTAATGAACTTGACTC[G>A]TCTTTGTTCTGCATCAAACATCATAGGTGGAATCACAGAGAGCTGCCGCATTTGTTTCTC-3'

ClinVar aggregate classification (germline): Uncertain significance (1 of 4 stars; one submission).

Submission:

Ambry Genetics
Classification: Uncertain significance. Last evaluated: 2024-07-12. Review status: criteria provided, single submitter. Criteria: Ambry Variant Classification Scheme 2023. Collection method: clinical testing. Allele origin: germline.
Comment: The c.1240C>T (p.R414*) alteration, located in exon 12 (coding exon 11) of the NCOR1 gene, consists of a C to T substitution at nucleotide position 1240. This changes the amino acid from an arginine (R) to a stop codon at amino acid position 414. This alteration is expected to result in premature protein truncation or nonsense-mediated mRNA decay. However, loss of function of NCOR1 has not been established as a mechanism of disease. Based on data from gnomAD, the T allele has an overall frequency of <0.001% (1/251208) total alleles studied. The highest observed frequency was 0.001% (1/113632) of European (non-Finnish) alleles. Based on insufficient or conflicting evidence, the clinical significance of this alteration remains unclear.